The following is an entry in ClinVar:

NM_015915.5(ATL1):c.1289T>C (p.Ile430Thr)

Gene: ATL1 (atlastin GTPase 1; plus strand). Cytogenetic location: 14q22.1.
Variant type: single nucleotide variant.
Coding change: c.1289T>C on transcript NM_015915.5 (MANE Select); coding-DNA position 1289, T replaced by C.
Protein change: p.Ile430Thr; replaces isoleucine 430 with threonine.
Molecular consequence: missense variant.
Genome position (GRCh38, 1-based): chr14:50,628,200, T>C. VCF-style: chr14-50628200-T-C. GRCh37 (hg19) VCF-style: chr14-51094918-T-C.
Other names: c.1289T>C, p.Ile430Thr (NM_001127713.1, NM_181598.4); short protein forms I430T.
Identifiers: ClinVar variation 4536204 (VCV004536204.1).
Genomic context (GRCh38, chr14:50,628,200, plus strand): 5'-GGGAAGAATTTAGCCGGCGTTACCTGCAGCAGTTGGAGAGTGAAATAGATGAACTTTACA[T>C]CCAATATATCAAGCACAATGATAGCAAAAATATCTTCCATGCAGCTCGTACCCCAGCCAC-3'
Protein context (NP_056999.2, residues 420-440): QLESEIDELY[Ile430Thr]QYIKHNDSKN

ClinVar aggregate classification (germline): Uncertain significance (1 of 4 stars; one submission).

gnomAD v4.1: 1 of 1,614,122 alleles (0.000062%); highest among the groups gnomAD compares: Non-Finnish European, 0.000085%; no homozygotes.

Submission:

GeneDx
Classification: Uncertain significance. Last evaluated: 2025-06-07. Review status: criteria provided, single submitter. Criteria: GeneDx Variant Classification Process June 2021. Collection method: clinical testing. Allele origin: germline. Affected: yes.
Comment: Not observed at significant frequency in large population cohorts (gnomAD); In silico analysis suggests that this missense variant does not alter protein structure/function; Has not been previously published as pathogenic or benign to our knowledge; This variant is associated with the following publications: (PMID: 23334294)